The following is an entry in ClinVar:

NM_003995.4(NPR2):c.2343G>C (p.Gln781His)

Gene: NPR2 (natriuretic peptide receptor 2; plus strand). Cytogenetic location: 9p13.3.
Variant type: single nucleotide variant.
Coding change: c.2343G>C on transcript NM_003995.4 (MANE Select); coding-DNA position 2343, G replaced by C.
Protein change: p.Gln781His; replaces glutamine 781 with histidine.
Molecular consequence: missense variant.
Genome position (GRCh38, 1-based): chr9:35,806,204, G>C. VCF-style: chr9-35806204-G-C. GRCh37 (hg19) VCF-style: chr9-35806201-G-C.
Other names: c.2352G>C, p.Gln784His (NM_001378923.1); short protein forms Q781H, Q784H.
Identifiers: ClinVar variation 3776603 (VCV003776603.1).
Genomic context (GRCh38, chr9:35,806,204, plus strand): 5'-AGTTTTGCTGATGGAGCGATGTTGGGCTCAGGACCCAGCTGAGCGGCCAGACTTTGGACA[G>C]ATTAAGGGCTTCATTCGGCGCTTTAACAAGTGAGAGGGCATTATGGGGCAGGGGCTTCCC-3'
Protein context (NP_003986.2, residues 771-791): QDPAERPDFG[Gln781His]IKGFIRRFNK

ClinVar aggregate classification (germline): Uncertain significance (1 of 4 stars; one submission).

gnomAD v4.1: 1 of 1,614,234 alleles (0.000062%); highest among the groups gnomAD compares: South Asian, 0.0011%; no homozygotes.

Submission:

GeneDx
Classification: Uncertain significance. Last evaluated: 2024-10-03. Review status: criteria provided, single submitter. Criteria: GeneDx Variant Classification Process June 2021. Collection method: clinical testing. Allele origin: germline. Affected: yes.
Comment: Not observed at significant frequency in large population cohorts (gnomAD); In silico analysis indicates that this missense variant does not alter protein structure/function; Has not been previously published as pathogenic or benign to our knowledge